The following is an entry in ClinVar:

ClinVar aggregate classification (germline): Benign/Likely benign. Review status: criteria provided, multiple submitters, no conflicts (2 of 4 stars). 4 submissions from 4 submitters: Benign (1); Likely benign (2). 1 of the submissions does not count toward it. Last evaluated 2026-07-01.

Conditions:
DHTKD1-related disorder. Also called: DHTKD1-related condition.
2-aminoadipic 2-oxoadipic aciduria (AAKAD). Also called: ALPHA-AMINOADIPIC AND ALPHA-KETOADIPIC ACIDURIA; Aminoadipic aciduria. Identifiers: Orphanet 79154, MedGen C1859817, MONDO:0008774, OMIM 204750.

Allele frequency attached by ClinVar (database versions not stated): gnomAD exomes 0.00022 and 0.00061; ExAC 0.00078; gnomAD 0.00221 and 0.00235; ESP Exome Variant Server 0.00246; TOPMed 0.00259; 1000 Genomes Project 30x 0.00265; 1000 Genomes Project 0.00280.
gnomAD v4.1: 672 of 1,614,158 alleles (0.042%); highest among the groups gnomAD compares: African/African-American, 0.78%; 2 homozygotes.

Submissions (4):

CeGaT Center for Human Genetics Tuebingen
Classification: Likely benign. Last evaluated: 2026-07-01. Review status: criteria provided, single submitter. Criteria: CeGaT Center For Human Genetics Tuebingen Variant Classification Criteria Version 2. Collection method: clinical testing. Allele origin: germline. Affected: yes. Observed: 1 variant allele.
Comment: DHTKD1: BP4, BP7

Labcorp Genetics (formerly Invitae), Labcorp
Classification: Benign for 2-aminoadipic 2-oxoadipic aciduria. Last evaluated: 2026-02-01. Review status: criteria provided, single submitter. Criteria: Invitae Variant Classification Sherloc (09022015). Collection method: clinical testing. Allele origin: germline.

ARUP Laboratories, Molecular Genetics and Genomics, ARUP Laboratories
Classification: Likely benign. Last evaluated: 2024-02-14. Review status: criteria provided, single submitter. Criteria: ARUP Molecular Germline Variant Investigation Process 2024. Collection method: clinical testing. Allele origin: germline.

PreventionGenetics, part of Exact Sciences
Classification: Benign for DHTKD1-related condition. Last evaluated: 2019-02-20. Review status: no assertion criteria provided. Collection method: clinical testing. Allele origin: germline. Not counted in ClinVar's aggregate classification.
Comment: This variant is classified as benign based on ACMG/AMP sequence variant interpretation guidelines (Richards et al. 2015 PMID: 25741868, with internal and published modifications).

NM_018706.7(DHTKD1):c.1284G>A (p.Leu428=)

Gene: DHTKD1 (dehydrogenase E1 and transketolase domain containing 1; plus strand). Cytogenetic location: 10p14.
Variant type: single nucleotide variant.
Coding change: c.1284G>A on transcript NM_018706.7 (MANE Select); coding-DNA position 1284, G replaced by A.
Protein change: p.Leu428=; no amino-acid change (leucine 428 retained).
Molecular consequence: synonymous variant.
Genome position (GRCh38, 1-based): chr10:12,094,197, G>A. VCF-style: chr10-12094197-G-A. GRCh37 (hg19) VCF-style: chr10-12136196-G-A.
Identifiers: ClinVar variation 716397 (VCV000716397.14), dbSNP rs148613315, ClinGen allele CA5407801.